The following is an entry in ClinVar:

ClinVar aggregate classification (germline): Likely benign. Review status: criteria provided, single submitter (1 of 4 stars). 2 submissions from 2 submitters: Likely benign (1). 1 of the submissions does not count toward it. Last evaluated 2022-12-01.

Conditions:
TENM4-related disorder. Also called: TENM4-related condition.

Allele frequency attached by ClinVar (database versions not stated): ExAC 0.00005; gnomAD exomes 0.00010; gnomAD 0.00060; ESP Exome Variant Server 0.00065; TOPMed 0.00065.
gnomAD v4.1: 237 of 1,559,206 alleles (0.015%); highest among the groups gnomAD compares: African/African-American, 0.17%; 1 homozygote.

Submissions (2):

CeGaT Center for Human Genetics Tuebingen
Classification: Likely benign. Last evaluated: 2022-12-01. Review status: criteria provided, single submitter. Criteria: CeGaT Center For Human Genetics Tuebingen Variant Classification Criteria Version 2. Collection method: clinical testing. Allele origin: germline. Affected: yes. Observed: 1 variant allele.
Comment: TENM4: BP4, BP7, BS1

PreventionGenetics, part of Exact Sciences
Classification: Likely benign for TENM4-related condition. Last evaluated: 2024-01-05. Review status: no assertion criteria provided. Collection method: clinical testing. Allele origin: germline. Not counted in ClinVar's aggregate classification.
Comment: This variant is classified as likely benign based on ACMG/AMP sequence variant interpretation guidelines (Richards et al. 2015 PMID: 25741868, with internal and published modifications).

NM_001098816.3(TENM4):c.2238C>T (p.Cys746=)

Gene: TENM4 (teneurin transmembrane protein 4; minus strand). Cytogenetic location: 11q14.1.
Variant type: single nucleotide variant.
Coding change: c.2238C>T on transcript NM_001098816.3 (MANE Select); coding-DNA position 2238, C replaced by T.
Protein change: p.Cys746=; no amino-acid change (cysteine 746 retained).
Molecular consequence: synonymous variant.
Genome position (GRCh38, 1-based): chr11:78,787,025, G>A on the plus strand (C>T on the coding strand, the complement: TENM4 is on the minus strand). VCF-style: chr11-78787025-G-A. GRCh37 (hg19) VCF-style: chr11-78498070-G-A.
Other names: c.2238C>T (NM_001098816.2).
Identifiers: ClinVar variation 2642225 (VCV002642225.25), dbSNP rs377415389, ClinGen allele CA6207353.